The following is an entry in ClinVar:

ClinVar aggregate classification (germline): Uncertain significance (1 of 4 stars; one submission).

Conditions:
Distal myopathy with posterior leg and anterior hand involvement. Also called: WILLIAMS DISTAL MYOPATHY. Identifiers: Orphanet 63273, MedGen C3279722, MONDO:0013550, OMIM 614065.
Myofibrillar myopathy 5. Also called: Filaminopathy (type); FILAMINOPATHY, AUTOSOMAL DOMINANT. Identifiers: Orphanet 171445, MedGen C1836050, MONDO:0012289, OMIM 609524.
Hypertrophic cardiomyopathy 26. Also called: Cardiomyopathy, familial hypertrophic, 26. Identifiers: Orphanet 75249, MedGen C4310749, MONDO:0014883, OMIM 617047.

Submission:

Labcorp Genetics (formerly Invitae), Labcorp
Classification: Uncertain significance for Distal myopathy with posterior leg and anterior hand involvement; Myofibrillar myopathy 5; Hypertrophic cardiomyopathy 26. Last evaluated: 2022-05-21. Review status: criteria provided, single submitter. Criteria: Invitae Variant Classification Sherloc (09022015). Collection method: clinical testing. Allele origin: germline.
Comment: In summary, the available evidence is currently insufficient to determine the role of this variant in disease. Therefore, it has been classified as a Variant of Uncertain Significance. This variant has not been reported in the literature in individuals affected with FLNC-related conditions. This variant is not present in population databases (gnomAD no frequency). This variant, c.5700_5701insTGT, results in the insertion of 1 amino acid(s) of the FLNC protein (p.Ser1900_Lys1901insCys), but otherwise preserves the integrity of the reading frame.

NM_001458.5(FLNC):c.5700_5701insTGT (p.Ser1900_Lys1901insCys)

Genes: FLNC (filamin C; plus strand), FLNC-AS1 (FLNC antisense RNA 1; minus strand). Cytogenetic location: 7q32.1.
Variant type: Insertion.
Coding change: c.5700_5701insTGT on transcript NM_001458.5 (MANE Select); coding-DNA positions 5700 to 5701, TGT inserted.
Protein change: p.Ser1900_Lys1901insCys.
Molecular consequence: inframe insertion. On other transcripts: non-coding transcript variant (1).
Genome position: GRCh38 VCF-style: chr7-128851486-C-CTGT. GRCh37 (hg19) VCF-style: chr7-128491540-C-CTGT.
Other names: c.5601_5602insTGT, p.Ser1867_Lys1868insCys (NM_001127487.2).
Identifiers: ClinVar variation 1997311 (VCV001997311.4), dbSNP rs2536656311, ClinGen allele CA2580076613.